The following is an entry in ClinVar:

NM_001110556.2(FLNA):c.3348C>A (p.Asp1116Glu)

Gene: FLNA (filamin A; minus strand). Cytogenetic location: Xq28.
Variant type: single nucleotide variant.
Coding change: c.3348C>A on transcript NM_001110556.2 (MANE Select); coding-DNA position 3348, C replaced by A.
Protein change: p.Asp1116Glu; replaces aspartic acid 1116 with glutamic acid.
Molecular consequence: missense variant.
Genome position (GRCh38, 1-based): chrX:154,360,447, G>T on the plus strand (C>A on the coding strand, the complement: FLNA is on the minus strand). VCF-style: chrX-154360447-G-T. GRCh37 (hg19) VCF-style: chrX-153588815-G-T.
Other names: p.D1116E:GAC>GAA; c.3348C>A, p.Asp1116Glu (NM_001456.4); short protein forms D1116E.
Identifiers: ClinVar variation 195671 (VCV000195671.10), dbSNP rs797044684, ClinGen allele CA242192.

ClinVar aggregate classification (germline): Conflicting classifications of pathogenicity. Review status: criteria provided, conflicting classifications (1 of 4 stars). 3 submissions from 3 submitters: Uncertain significance (2); Likely benign (1). Last evaluated 2022-03-17.

Conditions:
Oto-palato-digital syndrome, type II (OPD2). Also called: FACIOPALATOOSSEOUS SYNDROME; OPD II SYNDROME; Otopalatodigital Syndrome, Type II; Otopalatodigital Syndrome Type 2 (FLNA-OPD2). Identifiers: Orphanet 669, Orphanet 90652, MedGen C1844696, MONDO:0010571, OMIM 304120.
Melnick-Needles syndrome (MNS). Also called: MELNICK-NEEDLES OSTEODYSPLASTY; OSTEODYSPLASTY OF MELNICK AND NEEDLES; Melnick-Needles Syndrome (FLNA-MNS). Identifiers: Orphanet 2484, MedGen C0025237, MONDO:0010650, OMIM 309350.
Frontometaphyseal dysplasia (FMD1). Identifiers: Orphanet 1826, MedGen C0265293, MONDO:0015942.
Heterotopia, periventricular, X-linked dominant (PVNH1). Also called: PERIVENTRICULAR NODULAR HETEROTOPIA 1; X-linked periventricular heterotopia; PERIVENTRICULAR NODULAR HETEROTOPIA 4; HETEROTOPIA, PERIVENTRICULAR, 1. Identifiers: Orphanet 2149, Orphanet 82004, MedGen C1848213, MONDO:0010233, OMIM 300049.

gnomAD v4.1: 19 of 1,210,772 alleles (0.0016%); highest among the groups gnomAD compares: Non-Finnish European, 0.0021%; no homozygotes.

Submissions (3):

Labcorp Genetics (formerly Invitae), Labcorp
Classification: Likely benign for Oto-palato-digital syndrome, type II; Heterotopia, periventricular, X-linked dominant; Frontometaphyseal dysplasia; Melnick-Needles syndrome. Last evaluated: 2022-03-17. Review status: criteria provided, single submitter. Criteria: Invitae Variant Classification Sherloc (09022015). Collection method: clinical testing. Allele origin: germline.

Eurofins Ntd Llc (ga)
Classification: Uncertain significance. Last evaluated: 2014-06-11. Review status: criteria provided, single submitter. Criteria: EGL Classification Definitions 2015. Collection method: clinical testing. Allele origin: germline. Observed: 1 variant allele, 1 heterozygote.

GeneDx
Classification: Uncertain significance. Last evaluated: 2014-06-03. Review status: criteria provided, single submitter. Criteria: GeneDx Variant Classification (06012015). Collection method: clinical testing. Allele origin: germline. Affected: yes.
Comment: p.Asp1116Glu (GAC>GAA): c.3348 C>A in exon 22 of the FLNA gene (NM_001456.3) The D1116E variant was not observed in approximately 6,000 individuals of European and African American ancestry in the NHLBI Exome Sequencing Project, indicating it is not a common benign variant in these populations. Although the D1116E variant is a conservative amino acid substitution, which is not likely to impact secondary protein structure as these residues share similar properties; the D1116 residue is highly conserved across species. In silico analysis predicts this variant is probably damaging to the protein structure/function. However, no missense mutations in nearby residues have been reported in association with periventricular heterotopia, Ehlers-Danlos variant.Therefore, based on the currently available information, it is unclear whether this variant is a pathogenic mutation or a rare benign variant. This variant was found in TAAD